The following is an entry in ClinVar:

NM_005591.4(MRE11):c.1141T>C (p.Phe381Leu)

Gene: MRE11 (MRE11 double strand break repair nuclease; minus strand). Cytogenetic location: 11q21.
Variant type: single nucleotide variant.
Coding change: c.1141T>C on transcript NM_005591.4 (MANE Select); coding-DNA position 1141, T replaced by C.
Protein change: p.Phe381Leu; replaces phenylalanine 381 with leucine.
Molecular consequence: missense variant.
Genome position (GRCh38, 1-based): chr11:94,464,197, A>G on the plus strand (T>C on the coding strand, the complement: MRE11 is on the minus strand). VCF-style: chr11-94464197-A-G. GRCh37 (hg19) VCF-style: chr11-94197363-A-G.
Other names: c.1141T>C, p.Phe381Leu (NM_001330347.2, NM_005590.4); short protein forms F381L.
Identifiers: ClinVar variation 230567 (VCV000230567.14), dbSNP rs767307692, ClinGen allele CA6235141.

ClinVar aggregate classification (germline): Uncertain significance. Review status: criteria provided, multiple submitters, no conflicts (2 of 4 stars). 3 submissions from 3 submitters: Uncertain significance (3). Last evaluated 2025-02-17.

Conditions:
Hereditary cancer-predisposing syndrome. Also called: Neoplastic Syndromes, Hereditary; Tumor predisposition; Hereditary Cancer Syndrome; Hereditary neoplastic syndrome. Identifiers: Orphanet 140162, MedGen C0027672, MeSH D009386, MONDO:0015356.
Ataxia-telangiectasia-like disorder (ATLD). Identifiers: MedGen C1858391, MONDO:0011457.

Allele frequency attached by ClinVar (database versions not stated): gnomAD 0.00001; ExAC 0.00002; gnomAD exomes 0.00002 and 0.00004.
gnomAD v4.1: 52 of 1,613,912 alleles (0.0032%); highest among the groups gnomAD compares: Non-Finnish European, 0.0044%; no homozygotes.

Submissions (3):

Quest Diagnostics Nichols Institute San Juan Capistrano
Classification: Uncertain significance. Last evaluated: 2025-02-17. Review status: criteria provided, single submitter. Criteria: Quest Diagnostics criteria. Collection method: clinical testing. Allele origin: unknown.

Labcorp Genetics (formerly Invitae), Labcorp
Classification: Uncertain significance for Ataxia-telangiectasia-like disorder. Last evaluated: 2024-01-24. Review status: criteria provided, single submitter. Criteria: Invitae Variant Classification Sherloc (09022015). Collection method: clinical testing. Allele origin: germline.
Comment: This sequence change replaces phenylalanine, which is neutral and non-polar, with leucine, which is neutral and non-polar, at codon 381 of the MRE11 protein (p.Phe381Leu). This variant is present in population databases (rs767307692, gnomAD 0.003%). This variant has not been reported in the literature in individuals affected with MRE11-related conditions. ClinVar contains an entry for this variant (Variation ID: 230567). An algorithm developed to predict the effect of missense changes on protein structure and function (PolyPhen-2) suggests that this variant¬†is likely to be tolerated. In summary, the available evidence is currently insufficient to determine the role of this variant in disease. Therefore, it has been classified as a Variant of Uncertain Significance.

Ambry Genetics
Classification: Uncertain significance for Hereditary cancer-predisposing syndrome. Last evaluated: 2023-03-10. Review status: criteria provided, single submitter. Criteria: Ambry Variant Classification Scheme 2023. Collection method: clinical testing. Allele origin: germline.
Comment: The p.F381L variant (also known as c.1141T>C), located in coding exon 10 of the MRE11A gene, results from a T to C substitution at nucleotide position 1141. The phenylalanine at codon 381 is replaced by leucine, an amino acid with highly similar properties. This amino acid position is highly conserved in available vertebrate species. In addition, this alteration is predicted to be deleterious by in silico analysis. Since supporting evidence is limited at this time, the clinical significance of this alteration remains unclear.